The following is an entry in ClinVar:

ClinVar aggregate classification (germline): Uncertain significance (1 of 4 stars; one submission).

Submission:

Women's Health and Genetics/Laboratory Corporation of America, LabCorp
Classification: Uncertain significance. Last evaluated: 2025-12-29. Review status: criteria provided, single submitter. Criteria: LabCorp Variant Classification Summary - May 2015. Collection method: clinical testing. Allele origin: germline.
Comment: Variant summary: ZMYM2 c.3392G>T (p.Arg1131Leu) results in a non-conservative amino acid change in the encoded protein sequence. Algorithms developed to predict the effect of missense changes on protein structure and function are either unavailable or do not agree on the potential impact of this missense change. The variant was absent in 243484 control chromosomes. The available data on variant occurrences in the general population are insufficient to allow any conclusion about variant significance. To our knowledge, no occurrence of c.3392G>T in individuals affected with ZMYM2-related conditions and no experimental evidence demonstrating its impact on protein function have been reported. No submitters have cited clinical-significance assessments for this variant to ClinVar. Based on the evidence outlined above, the variant was classified as uncertain significance.

NM_197968.4(ZMYM2):c.3392G>T (p.Arg1131Leu)

Gene: ZMYM2 (zinc finger MYM-type containing 2; plus strand). Cytogenetic location: 13q12.11.
Variant type: single nucleotide variant.
Coding change: c.3392G>T on transcript NM_197968.4 (MANE Select); coding-DNA position 3392, G replaced by T.
Protein change: p.Arg1131Leu; replaces arginine 1131 with leucine.
Molecular consequence: missense variant. On other transcripts: non-coding transcript variant (1).
Genome position (GRCh38, 1-based): chr13:20,067,329, G>T. VCF-style: chr13-20067329-G-T. GRCh37 (hg19) VCF-style: chr13-20641469-G-T.
Other names: c.3392G>T, p.Arg1131Leu (NM_001190964.4, NM_001190965.4, NM_001353157.2 and 5 more transcripts); c.3197G>T, p.Arg1066Leu (NM_001353161.3); c.3131G>T, p.Arg1044Leu (NM_001353163.2); short protein forms R1044L, R1066L, R1131L.
Identifiers: ClinVar variation 4688745 (VCV004688745.1).